The following is an entry in ClinVar:

NM_000466.3(PEX1):c.3598A>T (p.Ile1200Phe)

Genes: GATAD1 (GATA zinc finger domain containing 1; plus strand), PEX1 (peroxisomal biogenesis factor 1; minus strand). Cytogenetic location: 7q21.2.
Variant type: single nucleotide variant.
Coding change: c.3598A>T on transcript NM_000466.3 (MANE Select); coding-DNA position 3598, A replaced by T.
Protein change: p.Ile1200Phe; replaces isoleucine 1200 with phenylalanine.
Molecular consequence: missense variant.
Genome position (GRCh38, 1-based): chr7:92,489,752, T>A on the plus strand (A>T on the coding strand, the complement: PEX1 is on the minus strand). VCF-style: chr7-92489752-T-A. GRCh37 (hg19) VCF-style: chr7-92119066-T-A.
Other names: c.3427A>T, p.Ile1143Phe (NM_001282677.2); c.2974A>T, p.Ile992Phe (NM_001282678.2); short protein forms I1200F, I1143F, I992F.
Identifiers: ClinVar variation 287772 (VCV000287772.11), dbSNP rs886043722, ClinGen allele CA10605865.

ClinVar aggregate classification (germline): Uncertain significance. Review status: criteria provided, multiple submitters, no conflicts (2 of 4 stars). 2 submissions from 2 submitters: Uncertain significance (2). Last evaluated 2022-05-27.

Conditions:
Zellweger spectrum disorders (ZS). Also called: Zellweger Spectrum Disorder (ZSD); Zellweger Spectrum Disorder; Zellweger Spectrum; Zellweger syndrome. Identifiers: Orphanet 912, MedGen C0043459, MONDO:0019609.

Allele frequency attached by ClinVar (database versions not stated): gnomAD exomes below 0.00001 and 0.00001.
gnomAD v4.1: 2 of 1,614,172 alleles (0.00012%); highest among the groups gnomAD compares: Non-Finnish European, 0.00017%; no homozygotes.

Submissions (2):

Labcorp Genetics (formerly Invitae), Labcorp
Classification: Uncertain significance for Zellweger spectrum disorders. Last evaluated: 2022-05-27. Review status: criteria provided, single submitter. Criteria: Invitae Variant Classification Sherloc (09022015). Collection method: clinical testing. Allele origin: germline.
Comment: This sequence change replaces isoleucine, which is neutral and non-polar, with phenylalanine, which is neutral and non-polar, at codon 1200 of the PEX1 protein (p.Ile1200Phe). This variant is present in population databases (no rsID available, gnomAD 0.002%). This variant has not been reported in the literature in individuals affected with PEX1-related conditions. ClinVar contains an entry for this variant (Variation ID: 287772). Advanced modeling of protein sequence and biophysical properties (such as structural, functional, and spatial information, amino acid conservation, physicochemical variation, residue mobility, and thermodynamic stability) performed at Invitae indicates that this missense variant is not expected to disrupt PEX1 protein function. In summary, the available evidence is currently insufficient to determine the role of this variant in disease. Therefore, it has been classified as a Variant of Uncertain Significance.

Eurofins Ntd Llc (ga)
Classification: Uncertain significance. Last evaluated: 2016-04-27. Review status: criteria provided, single submitter. Criteria: EGL Classification Definitions 2015. Collection method: clinical testing. Allele origin: germline. Observed: 1 variant allele, 1 heterozygote.